The following is an entry in ClinVar:

ClinVar aggregate classification (germline): Uncertain significance (1 of 4 stars; one submission).

Allele frequency attached by ClinVar (database versions not stated): ExAC 0.00001; gnomAD exomes 0.00001.
gnomAD v4.1: 1 of 1,613,594 alleles (0.000062%); highest among the groups gnomAD compares: South Asian, 0.0011%; no homozygotes.

Submission:

Labcorp Genetics (formerly Invitae), Labcorp
Classification: Uncertain significance. Last evaluated: 2021-06-20. Review status: criteria provided, single submitter. Criteria: Invitae Variant Classification Sherloc (09022015). Collection method: clinical testing. Allele origin: germline.
Comment: In summary, the available evidence is currently insufficient to determine the role of this variant in disease. Therefore, it has been classified as a Variant of Uncertain Significance. Algorithms developed to predict the effect of missense changes on protein structure and function (SIFT, PolyPhen-2, Align-GVGD) all suggest that this variant is likely to be disruptive, but these predictions have not been confirmed by published functional studies and their clinical significance is uncertain. This variant has not been reported in the literature in individuals with MPDZ-related conditions. This variant is present in population databases (rs772425857, ExAC 0.006%). This sequence change replaces leucine with arginine at codon 33 of the MPDZ protein (p.Leu33Arg). The leucine residue is highly conserved and there is a moderate physicochemical difference between leucine and arginine.

NM_001378778.1(MPDZ):c.98T>G (p.Leu33Arg)

Gene: MPDZ (multiple PDZ domain crumbs cell polarity complex component; minus strand). Cytogenetic location: 9p23.
Variant type: single nucleotide variant.
Coding change: c.98T>G on transcript NM_001378778.1 (MANE Select); coding-DNA position 98, T replaced by G.
Protein change: p.Leu33Arg; replaces leucine 33 with arginine.
Molecular consequence: missense variant.
Genome position (GRCh38, 1-based): chr9:13,247,720, A>C on the plus strand (T>G on the coding strand, the complement: MPDZ is on the minus strand). VCF-style: chr9-13247720-A-C. GRCh37 (hg19) VCF-style: chr9-13247719-A-C.
Other names: c.98T>G, p.Leu33Arg (NM_001261406.2, NM_001261407.2, NM_001330637.2 and 14 more transcripts); short protein forms L33R.
Identifiers: ClinVar variation 1347810 (VCV001347810.8), dbSNP rs772425857, ClinGen allele CA4988244.
Genomic context (GRCh38, chr9:13,247,720, plus strand): 5'-GTCTGAAGGCTCAGAATCTGACTGAAGAGAGGGCTCTGCAGGACTGACTTCAGAAGGCTC[A>C]GTTTGTCTTCATTTGCTACATCCCCACGTTCTCGCAGCTTGGTTTGCAAGCGCTCTGCTG-3'
Protein context (NP_001365707.1, residues 23-43): ERGDVANEDK[Leu33Arg]SLLKSVLQSP